The following is an entry in ClinVar:

ClinVar aggregate classification (germline): Uncertain significance (1 of 4 stars; one submission).

Conditions:
Hypertrophic cardiomyopathy 9. Also called: Familial hypertrophic cardiomyopathy 9. Identifiers: MedGen C1861065, MONDO:0013412, OMIM 613765.
Myopathy, myofibrillar, 9, with early respiratory failure (MFM9). Also called: Hereditary myopathy with early respiratory failure; EDSTROM MYOPATHY; MYOPATHY, PROXIMAL, WITH EARLY RESPIRATORY MUSCLE INVOLVEMENT; Myopathy, distal, with early respiratory failure, autosomal dominant. Identifiers: Orphanet 178464, Orphanet 34521, MedGen C1863599, MONDO:0011362, OMIM 603689.
Early-onset myopathy with fatal cardiomyopathy (CMYO5). Also called: CONGENITAL MYOPATHY 5 WITH CARDIOMYOPATHY; Salih Myopathy. Identifiers: Orphanet 289377, MedGen C2673677, MONDO:0012714, OMIM 611705. Disease mechanism: loss of function.
Autosomal recessive limb-girdle muscular dystrophy type 2J (LGMDR10). Also called: Limb-girdle muscular dystrophy, type 2J; MUSCULAR DYSTROPHY, LIMB-GIRDLE, AUTOSOMAL RECESSIVE 10. Identifiers: Orphanet 140922, MedGen C1837342, MONDO:0012127, OMIM 608807.
Dilated cardiomyopathy 1G (CMD1G). Identifiers: Orphanet 154, MedGen C1858763, MONDO:0011400, OMIM 604145.
Tibial muscular dystrophy (TMD). Also called: UDD MYOPATHY; Udd Distal Myopathy – Tibial Muscular Dystrophy; Tibial muscular dystrophy, tardive. Identifiers: Orphanet 609, MedGen C1838244, MONDO:0010870, OMIM 600334.

Submission:

Juno Genomics, Hangzhou Juno Genomics, Inc
Classification: Uncertain significance for Tibial muscular dystrophy; Early-onset myopathy with fatal cardiomyopathy; Dilated cardiomyopathy 1G; Hypertrophic cardiomyopathy 9; Autosomal recessive limb-girdle muscular dystrophy type 2J; Myopathy, myofibrillar, 9, with early respiratory failure. Review status: criteria provided, single submitter. Criteria: ACMG Guidelines, 2015. Collection method: clinical testing. Allele origin: germline.
Comment: Absent from controls (or at extremely low frequency if recessive) in Genome Aggregation Database.;Multiple lines of computational evidence suggest no impact on gene or gene product.;Missense variant in a gene that has a low rate of benign missense variation.

NM_001267550.2(TTN):c.28900G>A (p.Asp9634Asn)

Gene: TTN (titin; minus strand). Cytogenetic location: 2q31.2.
Variant type: single nucleotide variant.
Coding change: c.28900G>A on transcript NM_001267550.2 (MANE Select); coding-DNA position 28900, G replaced by A.
Protein change: p.Asp9634Asn; replaces aspartic acid 9634 with asparagine.
Molecular consequence: missense variant. On other transcripts: intron variant (3).
Genome position (GRCh38, 1-based): chr2:178,707,667, C>T on the plus strand (G>A on the coding strand, the complement: TTN is on the minus strand). VCF-style: chr2-178707667-C-T. GRCh37 (hg19) VCF-style: chr2-179572394-C-T.
Other names: c.27949G>A, p.Asp9317Asn (NM_001256850.1); c.25168G>A, p.Asp8390Asn (NM_133378.4); c.13282+30415G>A (NM_003319.4); c.13858+30415G>A (NM_133437.4); c.13657+30415G>A (NM_133432.3); short protein forms D8390N, D9317N, D9634N.
Identifiers: ClinVar variation 5006156 (VCV005006156.2).